The following is an entry in ClinVar:

ClinVar aggregate classification (germline): Benign. Review status: criteria provided, multiple submitters, no conflicts (2 of 4 stars). 3 submissions from 3 submitters: Benign (3). Last evaluated 2026-02-02.

Conditions:
Myasthenic syndrome, congenital, 22 (CMS22). Also called: PREPL DEFICIENCY. Identifiers: MedGen C4479088, MONDO:0044299, OMIM 616224.

Allele frequency attached by ClinVar (database versions not stated): ExAC 0.00306; 1000 Genomes Project 30x 0.00937; 1000 Genomes Project 0.00998; gnomAD 0.01014; TOPMed 0.01078; ESP Exome Variant Server 0.01138.

Submissions (20):

Labcorp Genetics (formerly Invitae), Labcorp
Classification: Benign for Myasthenic syndrome, congenital, 22. Last evaluated: 2026-02-02. Review status: criteria provided, single submitter. Criteria: Invitae Variant Classification Sherloc (09022015). Collection method: clinical testing. Allele origin: germline.

Mayo Clinic Laboratories, Mayo Clinic
Classification: Benign. Last evaluated: 2024-04-03. Review status: criteria provided, single submitter. Criteria: ACMG Guidelines, 2015. Collection method: clinical testing. Allele origin: germline. Observed: 4 variant alleles.
Comment: BA1, BS2, BP4

Breakthrough Genomics
Classification: Benign. Review status: criteria provided, single submitter. Criteria: ACMG Guidelines, 2015. Collection method: not provided. Allele origin: germline. Inheritance: Autosomal recessive inheritance. Affected: yes.

Dr. Peter K. Rogan Lab, Western University
No classification provided (evidence only). Condition: Clear cell carcinoma of kidney. Review status: no classification provided. Collection method: in vitro. Allele origin: not applicable. Functional consequence: retained intron. Not counted in ClinVar's aggregate classification.

Dr. Peter K. Rogan Lab, Western University
No classification provided (evidence only). Condition: Clear cell carcinoma of kidney. Review status: no classification provided. Collection method: in vitro. Allele origin: not applicable. Functional consequence: retained intron. Not counted in ClinVar's aggregate classification.

Dr. Peter K. Rogan Lab, Western University
No classification provided (evidence only). Condition: Lung cancer. Review status: no classification provided. Collection method: in vitro. Allele origin: not applicable. Functional consequence: retained intron. Not counted in ClinVar's aggregate classification.

Dr. Peter K. Rogan Lab, Western University
No classification provided (evidence only). Condition: Acute myeloid leukemia. Review status: no classification provided. Collection method: in vitro. Allele origin: not applicable. Functional consequence: retained intron. Not counted in ClinVar's aggregate classification.

Dr. Peter K. Rogan Lab, Western University
No classification provided (evidence only). Condition: Thyroid cancer, nonmedullary, 1. Review status: no classification provided. Collection method: in vitro. Allele origin: not applicable. Functional consequence: retained intron. Not counted in ClinVar's aggregate classification.

Dr. Peter K. Rogan Lab, Western University
No classification provided (evidence only). Condition: Thyroid cancer, nonmedullary, 1. Review status: no classification provided. Collection method: in vitro. Allele origin: not applicable. Functional consequence: retained intron. Not counted in ClinVar's aggregate classification.

Dr. Peter K. Rogan Lab, Western University
No classification provided (evidence only). Condition: Thyroid cancer, nonmedullary, 1. Review status: no classification provided. Collection method: in vitro. Allele origin: not applicable. Functional consequence: retained intron. Not counted in ClinVar's aggregate classification.

Dr. Peter K. Rogan Lab, Western University
No classification provided (evidence only). Condition: Uterine corpus endometrial carcinoma. Review status: no classification provided. Collection method: in vitro. Allele origin: not applicable. Functional consequence: retained intron. Not counted in ClinVar's aggregate classification.

Dr. Peter K. Rogan Lab, Western University
No classification provided (evidence only). Condition: Uterine corpus endometrial carcinoma. Review status: no classification provided. Collection method: in vitro. Allele origin: not applicable. Functional consequence: retained intron. Not counted in ClinVar's aggregate classification.

Dr. Peter K. Rogan Lab, Western University
No classification provided (evidence only). Condition: Uterine corpus endometrial carcinoma. Review status: no classification provided. Collection method: in vitro. Allele origin: not applicable. Functional consequence: retained intron. Not counted in ClinVar's aggregate classification.

Dr. Peter K. Rogan Lab, Western University
No classification provided (evidence only). Condition: Cervical cancer. Review status: no classification provided. Collection method: in vitro. Allele origin: not applicable. Functional consequence: retained intron. Not counted in ClinVar's aggregate classification.

Dr. Peter K. Rogan Lab, Western University
No classification provided (evidence only). Condition: Sarcoma. Review status: no classification provided. Collection method: in vitro. Allele origin: not applicable. Functional consequence: retained intron. Not counted in ClinVar's aggregate classification.

Dr. Peter K. Rogan Lab, Western University
No classification provided (evidence only). Condition: Ovarian serous cystadenocarcinoma. Review status: no classification provided. Collection method: in vitro. Allele origin: not applicable. Functional consequence: retained intron. Not counted in ClinVar's aggregate classification.

Dr. Peter K. Rogan Lab, Western University
No classification provided (evidence only). Condition: Ovarian serous cystadenocarcinoma. Review status: no classification provided. Collection method: in vitro. Allele origin: not applicable. Functional consequence: retained intron. Not counted in ClinVar's aggregate classification.

Dr. Peter K. Rogan Lab, Western University
No classification provided (evidence only). Condition: Ovarian serous cystadenocarcinoma. Review status: no classification provided. Collection method: in vitro. Allele origin: not applicable. Functional consequence: retained intron. Not counted in ClinVar's aggregate classification.

Dr. Peter K. Rogan Lab, Western University
No classification provided (evidence only). Condition: Ovarian serous cystadenocarcinoma. Review status: no classification provided. Collection method: in vitro. Allele origin: not applicable. Functional consequence: retained intron. Not counted in ClinVar's aggregate classification.

Dr. Peter K. Rogan Lab, Western University
No classification provided (evidence only). Condition: Malignant tumor of esophagus. Review status: no classification provided. Collection method: in vitro. Allele origin: not applicable. Functional consequence: retained intron. Not counted in ClinVar's aggregate classification.

NM_001171613.2(PREPL):c.1502A>G (p.Asn501Ser)

Gene: PREPL (prolyl endopeptidase like; minus strand). Cytogenetic location: 2p21.
Variant type: single nucleotide variant.
Coding change: c.1502A>G on transcript NM_001171613.2 (MANE Select); coding-DNA position 1502, A replaced by G.
Protein change: p.Asn501Ser; replaces asparagine 501 with serine.
Molecular consequence: missense variant.
Genome position (GRCh38, 1-based): chr2:44,323,389, T>C on the plus strand (A>G on the coding strand, the complement: PREPL is on the minus strand). VCF-style: chr2-44323389-T-C. GRCh37 (hg19) VCF-style: chr2-44550528-T-C.
Other names: p.Asn590Ser; c.1769A>G, p.Asn590Ser (NM_006036.4, NM_001171603.1, NM_001171606.2 and 2 more transcripts); c.1583A>G, p.Asn528Ser (NM_001042385.2); c.1571A>G, p.Asn524Ser (NM_001042386.2); c.1502A>G, p.Asn501Ser (NM_001171617.1, NM_001374277.1); short protein forms N590S, N528S, N524S, N501S.
Identifiers: ClinVar variation 478309 (VCV000478309.16), dbSNP rs75128515, ClinGen allele CA1641069.